The following is an entry in ClinVar:

ClinVar aggregate classification (germline): Likely benign. Review status: criteria provided, multiple submitters, no conflicts (2 of 4 stars). 3 submissions from 3 submitters: Likely benign (3). Last evaluated 2025-04-27.

Conditions:
Dilated cardiomyopathy 1G (CMD1G). Identifiers: Orphanet 154, MedGen C1858763, MONDO:0011400, OMIM 604145.
Autosomal recessive limb-girdle muscular dystrophy type 2J (LGMDR10). Also called: MUSCULAR DYSTROPHY, LIMB-GIRDLE, AUTOSOMAL RECESSIVE 10; Limb-girdle muscular dystrophy, type 2J. Identifiers: Orphanet 140922, MedGen C1837342, MONDO:0012127, OMIM 608807.
Cardiovascular phenotype. Identifiers: MedGen CN230736.

Allele frequency attached by ClinVar (database versions not stated): gnomAD 0.00001; gnomAD exomes 0.00001.
gnomAD v4.1: 8 of 1,613,736 alleles (0.0005%); highest among the groups gnomAD compares: African/African-American, 0.0027%; no homozygotes.

Submissions (3):

Labcorp Genetics (formerly Invitae), Labcorp
Classification: Likely benign for Dilated cardiomyopathy 1G; Autosomal recessive limb-girdle muscular dystrophy type 2J. Last evaluated: 2025-04-27. Review status: criteria provided, single submitter. Criteria: Invitae Variant Classification Sherloc (09022015). Collection method: clinical testing. Allele origin: germline.

Women's Health and Genetics/Laboratory Corporation of America, LabCorp
Classification: Likely benign. Last evaluated: 2025-01-30. Review status: criteria provided, single submitter. Criteria: LabCorp Variant Classification Summary - May 2015. Collection method: clinical testing. Allele origin: germline.
Comment: Variant summary: TTN c.10361-2165A>G, also known as NM_001267550:c.12708A>G p.Pro4236Pro, is located at a position not widely known to affect splicing. Consensus agreement among computation tools predict no significant impact on normal splicing. However, these predictions have yet to be confirmed by functional studies. The variant was absent in 248654 control chromosomes. The available data on variant occurrences in the general population are insufficient to allow any conclusion about variant significance. To our knowledge, no occurrence of c.10361-2165A>G in individuals affected with TTN-related conditions and no experimental evidence demonstrating its impact on protein function have been reported. ClinVar contains an entry for this variant (Variation ID: 1129718). Based on the evidence outlined above, the variant was classified as likely benign.

Ambry Genetics
Classification: Likely benign for Cardiovascular phenotype. Last evaluated: 2022-08-03. Review status: criteria provided, single submitter. Criteria: Ambry Variant Classification Scheme 2023. Collection method: clinical testing. Allele origin: germline.

NM_001267550.2(TTN):c.12708A>G (p.Pro4236=)

Gene: TTN (titin; minus strand). Cytogenetic location: 2q31.2.
Variant type: single nucleotide variant.
Coding change: c.12708A>G on transcript NM_001267550.2 (MANE Select); coding-DNA position 12708, A replaced by G.
Protein change: p.Pro4236=; no amino-acid change (proline 4236 retained).
Molecular consequence: synonymous variant. On other transcripts: intron variant (1).
Genome position (GRCh38, 1-based): chr2:178,740,525, T>C on the plus strand (A>G on the coding strand, the complement: TTN is on the minus strand). VCF-style: chr2-178740525-T-C. GRCh37 (hg19) VCF-style: chr2-179605252-T-C.
Other names: c.11757A>G, p.Pro3919= (NM_001256850.1); c.11619A>G, p.Pro3873= (NM_003319.4); c.11994A>G, p.Pro3998= (NM_133432.3); c.12195A>G, p.Pro4065= (NM_133437.4); c.10361-2165A>G (NM_133378.4).
Identifiers: ClinVar variation 1129718 (VCV001129718.14), dbSNP rs2082307443, ClinGen allele CA430296104.